The following is an entry in ClinVar:

ClinVar aggregate classification (germline): Uncertain significance. Review status: criteria provided, multiple submitters, no conflicts (2 of 4 stars). 2 submissions from 2 submitters: Uncertain significance (2). Last evaluated 2025-02-19.

Conditions:
RAX2-related disorder. Also called: RAX2-related disorders; RAX2-related condition.

gnomAD v4.1: 10 of 1,527,364 alleles (0.00065%); highest among the groups gnomAD compares: African/African-American, 0.0055%; no homozygotes.

Submissions (2):

PreventionGenetics, part of Exact Sciences
Classification: Uncertain significance for RAX2-related condition. Last evaluated: 2025-02-19. Review status: criteria provided, single submitter. Criteria: ACMG Guidelines, 2015. Collection method: clinical testing. Allele origin: germline.
Comment: The RAX2 c.329G>A variant is predicted to result in the amino acid substitution p.Arg110His. To our knowledge, this variant has not been reported in the literature. This variant is present in 0.019% of alleles in individuals of African descent in gnomAD. At this time, the clinical significance of this variant is uncertain due to the absence of conclusive functional and genetic evidence.

Labcorp Genetics (formerly Invitae), Labcorp
Classification: Uncertain significance. Last evaluated: 2024-05-31. Review status: criteria provided, single submitter. Criteria: Invitae Variant Classification Sherloc (09022015). Collection method: clinical testing. Allele origin: germline.
Comment: This sequence change replaces arginine, which is basic and polar, with histidine, which is basic and polar, at codon 110 of the RAX2 protein (p.Arg110His). The frequency data for this variant in the population databases is considered unreliable, as metrics indicate poor data quality at this position in the gnomAD database. This variant has not been reported in the literature in individuals affected with RAX2-related conditions. Algorithms developed to predict the effect of missense changes on protein structure and function output the following: SIFT: "Not Available"; PolyPhen-2: "Benign"; Align-GVGD: "Not Available". The histidine amino acid residue is found in multiple mammalian species, which suggests that this missense change does not adversely affect protein function. In summary, the available evidence is currently insufficient to determine the role of this variant in disease. Therefore, it has been classified as a Variant of Uncertain Significance.

NM_001319074.4(RAX2):c.329G>A (p.Arg110His)

Gene: RAX2 (retina and anterior neural fold homeobox 2; minus strand). Cytogenetic location: 19p13.3.
Variant type: single nucleotide variant.
Coding change: c.329G>A on transcript NM_001319074.4 (MANE Select); coding-DNA position 329, G replaced by A.
Protein change: p.Arg110His; replaces arginine 110 with histidine.
Molecular consequence: missense variant.
Genome position (GRCh38, 1-based): chr19:3,770,847, C>T on the plus strand (G>A on the coding strand, the complement: RAX2 is on the minus strand). VCF-style: chr19-3770847-C-T. GRCh37 (hg19) VCF-style: chr19-3770845-C-T.
Other names: c.329G>A, p.Arg110His (NM_032753.4); c.329G>A (NM_032753.3); short protein forms R110H.
Identifiers: ClinVar variation 3616606 (VCV003616606.3).